The following is an entry in ClinVar:

ClinVar aggregate classification (germline): Uncertain significance. Review status: criteria provided, multiple submitters, no conflicts (2 of 4 stars). 2 submissions from 2 submitters: Uncertain significance (2). Last evaluated 2025-04-08.

Allele frequency attached by ClinVar (database versions not stated): gnomAD exomes 0.00001; TOPMed below 0.00001; gnomAD 0.00001.

Submissions (2):

Labcorp Genetics (formerly Invitae), Labcorp
Classification: Uncertain significance. Last evaluated: 2025-04-08. Review status: criteria provided, single submitter. Criteria: Invitae Variant Classification Sherloc (09022015). Collection method: clinical testing. Allele origin: germline.
Comment: This sequence change replaces alanine, which is neutral and non-polar, with glycine, which is neutral and non-polar, at codon 123 of the TERF2IP protein (p.Ala123Gly). This variant is present in population databases (rs777673535, gnomAD 0.003%). This variant has not been reported in the literature in individuals affected with TERF2IP-related conditions. ClinVar contains an entry for this variant (Variation ID: 1733947). An algorithm developed to predict the effect of missense changes on protein structure and function (PolyPhen-2) suggests that this variant is likely to be tolerated. In summary, the available evidence is currently insufficient to determine the role of this variant in disease. Therefore, it has been classified as a Variant of Uncertain Significance.

Ambry Genetics
Classification: Uncertain significance. Last evaluated: 2023-07-29. Review status: criteria provided, single submitter. Criteria: Ambry Variant Classification Scheme 2023. Collection method: clinical testing. Allele origin: germline.
Comment: The p.A123G variant (also known as c.368C>G), located in coding exon 1 of the TERF2IP gene, results from a C to G substitution at nucleotide position 368. The alanine at codon 123 is replaced by glycine, an amino acid with similar properties. This amino acid position is conserved. In addition, this alteration is predicted to be tolerated by in silico analysis. Since supporting evidence is limited at this time, the clinical significance of this alteration remains unclear.

NM_018975.4(TERF2IP):c.368C>G (p.Ala123Gly)

Gene: TERF2IP (TERF2 interacting protein; plus strand). Cytogenetic location: 16q23.1.
Variant type: single nucleotide variant.
Coding change: c.368C>G on transcript NM_018975.4 (MANE Select); coding-DNA position 368, C replaced by G.
Protein change: p.Ala123Gly; replaces alanine 123 with glycine.
Molecular consequence: missense variant. On other transcripts: non-coding transcript variant (1).
Genome position (GRCh38, 1-based): chr16:75,648,250, C>G. VCF-style: chr16-75648250-C-G. GRCh37 (hg19) VCF-style: chr16-75682148-C-G.
Other names: short protein forms A123G.
Identifiers: ClinVar variation 1733947 (VCV001733947.5), dbSNP rs777673535, ClinGen allele CA8177985.